The following is an entry in ClinVar:

NM_024301.5(FKRP):c.1291A>G (p.Thr431Ala)

Gene: FKRP (fukutin related protein; plus strand). Cytogenetic location: 19q13.32.
Variant type: single nucleotide variant.
Coding change: c.1291A>G on transcript NM_024301.5 (MANE Select); coding-DNA position 1291, A replaced by G.
Protein change: p.Thr431Ala; replaces threonine 431 with alanine.
Molecular consequence: missense variant.
Genome position (GRCh38, 1-based): chr19:46,756,741, A>G. VCF-style: chr19-46756741-A-G. GRCh37 (hg19) VCF-style: chr19-47259998-A-G.
Other names: c.1291A>G, p.Thr431Ala (NM_001039885.3); short protein forms T431A.
Identifiers: ClinVar variation 408725 (VCV000408725.6), dbSNP rs1060502112, ClinGen allele CA16616308.

ClinVar aggregate classification (germline): Uncertain significance. Review status: criteria provided, multiple submitters, no conflicts (2 of 4 stars). 3 submissions from 3 submitters: Uncertain significance (2). 1 of the submissions does not count toward it. Last evaluated 2022-04-08.

Conditions:
Walker-Warburg congenital muscular dystrophy. Also called: Muscular dystrophy-dystroglycanopathy, type A; Walker-Warburg syndrome. Identifiers: Orphanet 899, MedGen C0265221, MONDO:0000171.
Autosomal recessive limb-girdle muscular dystrophy type 2I. Also called: MUSCULAR DYSTROPHY-DYSTROGLYCANOPATHY, LIMB-GIRDLE, FRKP-RELATED; MUSCULAR DYSTROPHY, LIMB-GIRDLE, TYPE 2I; MUSCULAR DYSTROPHY-DYSTROGLYCANOPATHY (LIMB-GIRDLE), TYPE C, 5. Identifiers: Orphanet 34515, MedGen C1846672, MONDO:0011787, OMIM 607155.

Allele frequency attached by ClinVar (database versions not stated): gnomAD exomes below 0.00001; TOPMed 0.00001; gnomAD 0.00002.

Submissions (3):

Labcorp Genetics (formerly Invitae), Labcorp
Classification: Uncertain significance for Walker-Warburg congenital muscular dystrophy. Last evaluated: 2022-04-08. Review status: criteria provided, single submitter. Criteria: Invitae Variant Classification Sherloc (09022015). Collection method: clinical testing. Allele origin: germline.
Comment: This sequence change replaces threonine, which is neutral and polar, with alanine, which is neutral and non-polar, at codon 431 of the FKRP protein (p.Thr431Ala). This variant is not present in population databases (gnomAD no frequency). This variant has not been reported in the literature in individuals affected with FKRP-related conditions. ClinVar contains an entry for this variant (Variation ID: 408725). Algorithms developed to predict the effect of missense changes on protein structure and function are either unavailable or do not agree on the potential impact of this missense change (SIFT: "Deleterious"; PolyPhen-2: "Probably Damaging"; Align-GVGD: "Class C0"). In summary, the available evidence is currently insufficient to determine the role of this variant in disease. Therefore, it has been classified as a Variant of Uncertain Significance.

Blueprint Genetics
Classification: Uncertain significance. Last evaluated: 2019-01-25. Review status: criteria provided, single submitter. Criteria: ACMG Guidelines, 2015. Collection method: clinical testing. Allele origin: germline.

Natera, Inc.
Classification: Uncertain significance for Limb-girdle muscular dystrophy type 2I. Last evaluated: 2020-07-17. Review status: no assertion criteria provided. Collection method: clinical testing. Allele origin: germline. Not counted in ClinVar's aggregate classification.